The following is an entry in ClinVar:

NM_001374736.1(DST):c.17053C>T (p.Gln5685Ter)

Gene: DST (dystonin; minus strand). Cytogenetic location: 6p12.1.
Variant type: single nucleotide variant.
Coding change: c.17053C>T on transcript NM_001374736.1 (MANE Select); coding-DNA position 17053, C replaced by T.
Protein change: p.Gln5685Ter; replaces glutamine 5685 with a stop codon.
Molecular consequence: nonsense.
Genome position (GRCh38, 1-based): chr6:56,532,399, G>A on the plus strand (C>T on the coding strand, the complement: DST is on the minus strand). VCF-style: chr6-56532399-G-A. GRCh37 (hg19) VCF-style: chr6-56397197-G-A.
Other names: c.10696C>T, p.Gln3566Ter (NM_001144769.5); c.10282C>T, p.Gln3428Ter (NM_001144770.2); c.17053C>T, p.Gln5685Ter (NM_001374722.1); c.16420C>T, p.Gln5474Ter (NM_001374729.1); c.10162C>T, p.Gln3388Ter (NM_001374730.1, NM_001386100.1, NM_183380.4); c.17080C>T, p.Gln5694Ter (NM_001374734.1); c.9184C>T, p.Gln3062Ter (NM_015548.5); short protein forms Q5474*, Q3428*, Q3566*, Q3388*, Q5685*, Q3062*, Q5694*.
Identifiers: ClinVar variation 2951638 (VCV002951638.3), dbSNP rs2534885536, ClinGen allele CA364509920.

ClinVar aggregate classification (germline): Pathogenic (1 of 4 stars; one submission).

Conditions:
Epidermolysis bullosa simplex 3, localized or generalized intermediate, with BP230 deficiency (EBS3). Also called: Epidermolysis bullosa simplex due to BP230 deficiency; Epidermolysis bullosa simplex, autosomal recessive 2. Identifiers: Orphanet 412181, MedGen C3809470, MONDO:0014180, OMIM 615425.
Hereditary sensory and autonomic neuropathy type 6. Also called: HSAN VI; Neuropathy, hereditary sensory and autonomic, type VI. Identifiers: Orphanet 314381, MedGen C3539003, MONDO:0013839, OMIM 614653.

Submission:

Labcorp Genetics (formerly Invitae), Labcorp
Classification: Pathogenic for Epidermolysis bullosa simplex 3, localized or generalized intermediate, with BP230 deficiency; Hereditary sensory and autonomic neuropathy type 6. Last evaluated: 2023-09-05. Review status: criteria provided, single submitter. Criteria: Invitae Variant Classification Sherloc (09022015). Collection method: clinical testing. Allele origin: germline.
Comment: The DST gene has multiple clinically relevant transcripts. This variant occurs in alternate transcript NM_015548.4, and corresponds to NM_001723.5:c.*83118C>T in the primary transcript. This sequence change creates a premature translational stop signal (p.Gln3062*) in the DST gene. It is expected to result in an absent or disrupted protein product. Loss-of-function variants in DST are known to be pathogenic (PMID: 22522446, 25059916, 30371979). This variant is not present in population databases (gnomAD no frequency). This variant has not been reported in the literature in individuals affected with DST-related conditions. For these reasons, this variant has been classified as Pathogenic.

Literature cited by the submitters: PubMed 22522446; PubMed 25059916; PubMed 30371979.